The following is an entry in ClinVar:

ClinVar aggregate classification (germline): Pathogenic (1 of 4 stars; one submission).

Conditions:
Glycine encephalopathy. Also called: Nonketotic hyperglycinemia; Non-ketotic hyperglycinemia. Identifiers: Orphanet 407, MedGen C0751748, MONDO:0011612, HP:0008288.

Submission:

Labcorp Genetics (formerly Invitae), Labcorp
Classification: Pathogenic for Glycine encephalopathy. Last evaluated: 2023-06-07. Review status: criteria provided, single submitter. Criteria: Invitae Variant Classification Sherloc (09022015). Collection method: clinical testing. Allele origin: germline.
Comment: This variant, c.1638_1655del, results in the deletion of 6 amino acid(s) of the GLDC protein (p.Ile546_Ser551del), but otherwise preserves the integrity of the reading frame. This variant is present in population databases (rs758895400, gnomAD 0.01%). This variant has not been reported in the literature in individuals affected with GLDC-related conditions. This variant disrupts a region of the GLDC protein in which other variant(s) (p.Ser551Ile) have been determined to be pathogenic (PMID: 27362913). This suggests that this is a clinically significant region of the protein, and that variants that disrupt it are likely to be disease-causing. For these reasons, this variant has been classified as Pathogenic.

Literature cited by the submitters: PubMed 27362913.

NM_000170.3(GLDC):c.1638_1655del (p.Ile546_Ser551del)

Gene: GLDC (glycine decarboxylase; minus strand). Cytogenetic location: 9p24.1.
Variant type: Deletion.
Coding change: c.1638_1655del on transcript NM_000170.3 (MANE Select); coding-DNA positions 1638 to 1655, 18 bases deleted (TTCCCTTGTTCACAGCAT).
Protein change: p.Ile546_Ser551del.
Molecular consequence: inframe deletion.
Genome position (GRCh38, 1-based): chr9:6,588,628-6,588,645, ATGCTGTGAACAAGGGAA deleted on the plus strand (TTCCCTTGTTCACAGCAT on the coding strand, the reverse complement: GLDC is on the minus strand); deleting any 18 consecutive bases within chr9:6,588,628-6,588,648 gives the same sequence; the c. name uses the placement nearest the transcript's 3' end. VCF-style (leftmost placement, unchanged base first): chr9-6588627-CATGCTGTGAACAAGGGAA-C. GRCh37 (hg19) VCF-style: chr9-6588627-CATGCTGTGAACAAGGGAA-C.
Identifiers: ClinVar variation 2901616 (VCV002901616.3), dbSNP rs758895400, ClinGen allele CA4980602.